The following is an entry in ClinVar:

ClinVar aggregate classification (germline): Pathogenic (1 of 4 stars; one submission).

Submission:

Labcorp Genetics (formerly Invitae), Labcorp
Classification: Pathogenic. Last evaluated: 2023-12-30. Review status: criteria provided, single submitter. Criteria: Invitae Variant Classification Sherloc (09022015). Collection method: clinical testing. Allele origin: germline.
Comment: This sequence change creates a premature translational stop signal (p.Leu812*) in the NSD1 gene. It is expected to result in an absent or disrupted protein product. Loss-of-function variants in NSD1 are known to be pathogenic (PMID: 12464997, 14571271, 15942875, 16247291). This variant is not present in population databases (gnomAD no frequency). This variant has not been reported in the literature in individuals affected with NSD1-related conditions. For these reasons, this variant has been classified as Pathogenic.

Literature cited by the submitters: PubMed 12464997; PubMed 14571271; PubMed 15942875; PubMed 16247291.

NM_022455.5(NSD1):c.2435T>A (p.Leu812Ter)

Gene: NSD1 (nuclear receptor binding SET domain protein 1; plus strand). Cytogenetic location: 5q35.3.
Variant type: single nucleotide variant.
Coding change: c.2435T>A on transcript NM_022455.5 (MANE Select); coding-DNA position 2435, T replaced by A.
Protein change: p.Leu812Ter; replaces leucine 812 with a stop codon.
Molecular consequence: nonsense.
Genome position (GRCh38, 1-based): chr5:177,210,834, T>A. VCF-style: chr5-177210834-T-A. GRCh37 (hg19) VCF-style: chr5-176637835-T-A.
Other names: c.1562T>A, p.Leu521Ter (NM_001365684.2, NM_001409306.1, NM_001409307.1 and 3 more transcripts); c.2435T>A, p.Leu812Ter (NM_001409301.1, NM_001409302.1, NM_001409303.1); c.2015T>A, p.Leu672Ter (NM_001409304.1); c.1682T>A, p.Leu561Ter (NM_001409305.1); short protein forms L521*, L812*, L561*, L672*.
Identifiers: ClinVar variation 3632289 (VCV003632289.2).